The following is an entry in ClinVar:

NM_000398.7(CYB5R3):c.1A>G (p.Met1Val)

Genes: CYB5R3 (cytochrome b5 reductase 3; minus strand), LOC130067609 (ATAC-STARR-seq lymphoblastoid silent region 13835; plus strand). Cytogenetic location: 22q13.2.
Variant type: single nucleotide variant.
Coding change: c.1A>G on transcript NM_000398.7 (MANE Select); coding-DNA position 1, A replaced by G.
Protein change: p.Met1Val; changes the start codon (methionine 1).
Molecular consequence: missense variant, initiator codon variant.
Genome position (GRCh38, 1-based): chr22:42,649,315, T>C on the plus strand (A>G on the coding strand, the complement: CYB5R3 is on the minus strand). VCF-style: chr22-42649315-T-C. GRCh37 (hg19) VCF-style: chr22-43045321-T-C.
Other names: c.1A>G, p.Met1Val (NM_001031678.1); short protein forms M1V.
Identifiers: ClinVar variation 2440657 (VCV002440657.7), dbSNP rs1169621833, ClinGen allele CA411805831.

ClinVar aggregate classification (germline): Uncertain significance. Review status: criteria provided, multiple submitters, no conflicts (2 of 4 stars). 2 submissions from 2 submitters: Uncertain significance (2). Last evaluated 2024-07-30.

Conditions:
Deficiency of cytochrome-b5 reductase. Also called: METHEMOGLOBINEMIA, CONGENITAL, AUTOSOMAL RECESSIVE; NADH-DEPENDENT METHEMOGLOBIN REDUCTASE DEFICIENCY. Identifiers: Orphanet 621, MedGen C0268193, MONDO:0009606, OMIM 250800.

Allele frequency attached by ClinVar (database versions not stated): gnomAD exomes below 0.00001; TOPMed 0.00001.

Submissions (2):

Labcorp Genetics (formerly Invitae), Labcorp
Classification: Uncertain significance. Last evaluated: 2024-07-30. Review status: criteria provided, single submitter. Criteria: Invitae Variant Classification Sherloc (09022015). Collection method: clinical testing. Allele origin: germline.
Comment: This sequence change affects the initiator methionine of the CYB5R3 mRNA. The next in-frame methionine is located at codon 11. This variant is present in population databases (no rsID available, gnomAD 0.01%). This variant has not been reported in the literature in individuals affected with CYB5R3-related conditions. ClinVar contains an entry for this variant (Variation ID: 2440657). Experimental studies and prediction algorithms are not available or were not evaluated, and the functional significance of this variant is currently unknown. In summary, the available evidence is currently insufficient to determine the role of this variant in disease. Therefore, it has been classified as a Variant of Uncertain Significance.

Revvity Omics, Revvity
Classification: Uncertain significance for Deficiency of cytochrome-b5 reductase. Last evaluated: 2021-09-17. Review status: criteria provided, single submitter. Criteria: ACMG Guidelines, 2015. Collection method: clinical testing. Allele origin: germline.